The following is an entry in ClinVar:

ClinVar aggregate classification (germline): Uncertain significance (1 of 4 stars; one submission).

Submission:

GeneDx
Classification: Uncertain significance. Last evaluated: 2024-05-21. Review status: criteria provided, single submitter. Criteria: GeneDx Variant Classification Process June 2021. Collection method: clinical testing. Allele origin: germline. Affected: yes.
Comment: Not observed at significant frequency in large population cohorts (gnomAD); In silico analysis supports that this missense variant has a deleterious effect on protein structure/function; Has not been previously published as pathogenic or benign to our knowledge

NM_000875.5(IGF1R):c.1265T>A (p.Val422Asp)

Gene: IGF1R (insulin like growth factor 1 receptor; plus strand). Cytogenetic location: 15q26.3.
Variant type: single nucleotide variant.
Coding change: c.1265T>A on transcript NM_000875.5 (MANE Select); coding-DNA position 1265, T replaced by A.
Protein change: p.Val422Asp; replaces valine 422 with aspartic acid.
Molecular consequence: missense variant.
Genome position (GRCh38, 1-based): chr15:98,908,702, T>A. VCF-style: chr15-98908702-T-A. GRCh37 (hg19) VCF-style: chr15-99451931-T-A.
Other names: c.1265T>A, p.Val422Asp (NM_001291858.2); short protein forms V422D.
Identifiers: ClinVar variation 3381722 (VCV003381722.1).